The following is an entry in ClinVar:

ClinVar aggregate classification (germline): Uncertain significance (1 of 4 stars; one submission).

Conditions:
DICER1-related tumor predisposition. Also called: DICER1 syndrome; DICER1-related pleuropulmonary blastoma cancer predisposition syndrome. Identifiers: Orphanet 284343, MedGen C3839822, MONDO:0100216.

Submission:

Labcorp Genetics (formerly Invitae), Labcorp
Classification: Uncertain significance for DICER1-related tumor predisposition. Last evaluated: 2022-03-05. Review status: criteria provided, single submitter. Criteria: Invitae Variant Classification Sherloc (09022015). Collection method: clinical testing. Allele origin: germline.
Comment: Algorithms developed to predict the effect of missense changes on protein structure and function are either unavailable or do not agree on the potential impact of this missense change (SIFT: "Deleterious"; PolyPhen-2: "Benign"; Align-GVGD: "Class C0"). In summary, the available evidence is currently insufficient to determine the role of this variant in disease. Therefore, it has been classified as a Variant of Uncertain Significance. Algorithms developed to predict the effect of sequence changes on RNA splicing suggest that this variant may create or strengthen a splice site. ClinVar contains an entry for this variant (Variation ID: 1026785). This variant has not been reported in the literature in individuals affected with DICER1-related conditions. This variant is not present in population databases (gnomAD no frequency). This sequence change replaces proline, which is neutral and non-polar, with leucine, which is neutral and non-polar, at codon 767 of the DICER1 protein (p.Pro767Leu).

NM_177438.3(DICER1):c.2300C>T (p.Pro767Leu)

Gene: DICER1 (dicer 1, ribonuclease III; minus strand). Cytogenetic location: 14q32.13.
Variant type: single nucleotide variant.
Coding change: c.2300C>T on transcript NM_177438.3 (MANE Select); coding-DNA position 2300, C replaced by T.
Protein change: p.Pro767Leu; replaces proline 767 with leucine.
Molecular consequence: missense variant.
Genome position (GRCh38, 1-based): chr14:95,108,460, G>A on the plus strand (C>T on the coding strand, the complement: DICER1 is on the minus strand). VCF-style: chr14-95108460-G-A. GRCh37 (hg19) VCF-style: chr14-95574797-G-A.
Other names: c.2300C>T, p.Pro767Leu (NM_001195573.1, NM_001271282.3, NM_001291628.2 and 1 more transcripts); short protein forms P767L.
Identifiers: ClinVar variation 1026785 (VCV001026785.11), dbSNP rs764001016, ClinGen allele CA390882343.